The following is an entry in ClinVar:

ClinVar aggregate classification (germline): Uncertain significance (1 of 4 stars; one submission).

Conditions:
Generalized epilepsy-paroxysmal dyskinesia syndrome (PNKD3). Also called: Generalized epilepsy and paroxysmal dyskinesia; Paroxysmal nonkinesigenic dyskinesia, 3, with or without generalized epilepsy. Identifiers: Orphanet 79137, MedGen C5574945, MONDO:0012276, OMIM 609446.

Allele frequency attached by ClinVar (database versions not stated): gnomAD exomes below 0.00001; TOPMed 0.00001; ExAC 0.00002; gnomAD 0.00002; ESP Exome Variant Server 0.00008.
gnomAD v4.1: 8 of 1,613,996 alleles (0.0005%); highest among the groups gnomAD compares: South Asian, 0.0022%; no homozygotes.

Submission:

Labcorp Genetics (formerly Invitae), Labcorp
Classification: Uncertain significance for Generalized epilepsy-paroxysmal dyskinesia syndrome. Last evaluated: 2023-05-01. Review status: criteria provided, single submitter. Criteria: Invitae Variant Classification Sherloc (09022015). Collection method: clinical testing. Allele origin: germline.
Comment: This sequence change replaces aspartic acid, which is acidic and polar, with asparagine, which is neutral and polar, at codon 791 of the KCNMA1 protein (p.Asp791Asn). This variant is present in population databases (rs368732871, gnomAD 0.007%). This variant has not been reported in the literature in individuals affected with KCNMA1-related conditions. An algorithm developed to predict the effect of missense changes on protein structure and function (PolyPhen-2) suggests that this variant is likely to be disruptive. In summary, the available evidence is currently insufficient to determine the role of this variant in disease. Therefore, it has been classified as a Variant of Uncertain Significance.

NM_001161352.2(KCNMA1):c.2545G>A (p.Asp849Asn)

Genes: KCNMA1 (potassium calcium-activated channel subfamily M alpha 1; minus strand), KCNMA1-AS1 (KCNMA1 antisense RNA 1; plus strand). Cytogenetic location: 10q22.3.
Variant type: single nucleotide variant.
Coding change: c.2545G>A on transcript NM_001161352.2 (MANE Select); coding-DNA position 2545, G replaced by A.
Protein change: p.Asp849Asn; replaces aspartic acid 849 with asparagine.
Molecular consequence: missense variant.
Genome position (GRCh38, 1-based): chr10:76,949,306, C>T on the plus strand (G>A on the coding strand, the complement: KCNMA1 is on the minus strand). VCF-style: chr10-76949306-C-T. GRCh37 (hg19) VCF-style: chr10-78709064-C-T.
Other names: c.2383G>A, p.Asp795Asn (NM_001014797.3, NM_001322835.2, NM_001322837.2); c.2494G>A, p.Asp832Asn (NM_001161353.2); c.2221G>A, p.Asp741Asn (NM_001271518.2); c.2380G>A, p.Asp794Asn (NM_001271519.2, NM_001322829.2, NM_001322836.2); c.2392G>A, p.Asp798Asn (NM_001322830.2); c.2371G>A, p.Asp791Asn (NM_001322832.2, NM_001410940.1, NM_002247.4); c.1918G>A, p.Asp640Asn (NM_001322838.2); short protein forms D794N, D795N, D849N, D640N, D791N, D798N, D832N, D741N.
Identifiers: ClinVar variation 2989133 (VCV002989133.3), dbSNP rs368732871, ClinGen allele CA5568042.